The following is an entry in ClinVar:

ClinVar aggregate classification (germline): Pathogenic (1 of 4 stars; one submission).

Submission:

Labcorp Genetics (formerly Invitae), Labcorp
Classification: Pathogenic. Last evaluated: 2024-06-03. Review status: criteria provided, single submitter. Criteria: Invitae Variant Classification Sherloc (09022015). Collection method: clinical testing. Allele origin: germline.
Comment: This sequence change creates a premature translational stop signal (p.Arg448*) in the CLTC gene. It is expected to result in an absent or disrupted protein product. Loss-of-function variants in CLTC are known to be pathogenic (PMID: 29100083). This variant is not present in population databases (gnomAD no frequency). This variant has not been reported in the literature in individuals affected with CLTC-related conditions. For these reasons, this variant has been classified as Pathogenic.

Literature cited by the submitters: PubMed 29100083.

NM_004859.4(CLTC):c.1330C>T (p.Arg444Ter)

Gene: CLTC (clathrin heavy chain; plus strand). Cytogenetic location: 17q23.1.
Variant type: single nucleotide variant.
Coding change: c.1330C>T on transcript NM_004859.4 (MANE Select); coding-DNA position 1330, C replaced by T.
Protein change: p.Arg444Ter; replaces arginine 444 with a stop codon.
Molecular consequence: nonsense.
Genome position (GRCh38, 1-based): chr17:59,661,605, C>T. VCF-style: chr17-59661605-C-T. GRCh37 (hg19) VCF-style: chr17-57738966-C-T.
Other names: c.1342C>T, p.Arg448Ter (NM_001288653.2); short protein forms R448*, R444*.
Identifiers: ClinVar variation 2735022 (VCV002735022.3), dbSNP rs2509378785, ClinGen allele CA400424755.
Genomic context (GRCh38, chr17:59,661,605, plus strand): 5'-CAGGGACAGCTCAACAAATACGAATCCTTAGAGCTTTGTAGGCCTGTACTTCAGCAAGGG[C>T]GAAAACAGCTTTTGGAGAAATGGTTAAAAGAAGATAAGGTACGTTAAATTATGTTGACAT-3'